The following is an entry in ClinVar:

NM_001042492.3(NF1):c.8429G>A (p.Ser2810Asn)

Gene: NF1 (neurofibromin 1; plus strand). Cytogenetic location: 17q11.2.
Variant type: single nucleotide variant.
Coding change: c.8429G>A on transcript NM_001042492.3 (MANE Select); coding-DNA position 8429, G replaced by A.
Protein change: p.Ser2810Asn; replaces serine 2810 with asparagine.
Molecular consequence: missense variant.
Genome position (GRCh38, 1-based): chr17:31,374,064, G>A. VCF-style: chr17-31374064-G-A. GRCh37 (hg19) VCF-style: chr17-29701082-G-A.
Other names: c.8366G>A, p.Ser2789Asn (NM_000267.4); short protein forms S2789N, S2810N.
Identifiers: ClinVar variation 2711384 (VCV002711384.3), dbSNP rs2151601399, ClinGen allele CA399205960.

ClinVar aggregate classification (germline): Uncertain significance (1 of 4 stars; one submission).

Conditions:
Neurofibromatosis, type 1 (NF1). Also called: Peripheral type neurofibromatosis; VON RECKLINGHAUSEN DISEASE; NEUROFIBROMATOSIS, TYPE I, SOMATIC; Neurofibromatosis, type I. Identifiers: Orphanet 636, MedGen C0027831, MONDO:0018975, OMIM 162200. Disease mechanism: loss of function.

Submission:

Labcorp Genetics (formerly Invitae), Labcorp
Classification: Uncertain significance for Neurofibromatosis, type 1. Last evaluated: 2024-01-25. Review status: criteria provided, single submitter. Criteria: Invitae Variant Classification Sherloc (09022015). Collection method: clinical testing. Allele origin: germline.
Comment: This sequence change replaces serine, which is neutral and polar, with asparagine, which is neutral and polar, at codon 2789 of the NF1 protein (p.Ser2789Asn). This variant is not present in population databases (gnomAD no frequency). This variant has not been reported in the literature in individuals affected with NF1-related conditions. Advanced modeling of protein sequence and biophysical properties (such as structural, functional, and spatial information, amino acid conservation, physicochemical variation, residue mobility, and thermodynamic stability) performed at Invitae indicates that this missense variant is not expected to disrupt NF1 protein function with a negative predictive value of 95%. In summary, the available evidence is currently insufficient to determine the role of this variant in disease. Therefore, it has been classified as a Variant of Uncertain Significance.